The following is an entry in ClinVar:

ClinVar aggregate classification (germline): Uncertain significance. Review status: criteria provided, multiple submitters, no conflicts (2 of 4 stars). 2 submissions from 2 submitters: Uncertain significance (2). Last evaluated 2024-10-30.

Allele frequency attached by ClinVar (database versions not stated): gnomAD exomes below 0.00001.
gnomAD v4.1: 1 of 1,614,222 alleles (0.000062%); highest among the groups gnomAD compares: Non-Finnish European, 0.000085%; no homozygotes.

Submissions (2):

Labcorp Genetics (formerly Invitae), Labcorp
Classification: Uncertain significance. Last evaluated: 2024-10-30. Review status: criteria provided, single submitter. Criteria: Invitae Variant Classification Sherloc (09022015). Collection method: clinical testing. Allele origin: germline.
Comment: This sequence change replaces glutamic acid, which is acidic and polar, with lysine, which is basic and polar, at codon 485 of the LRP5 protein (p.Glu485Lys). This variant is not present in population databases (gnomAD no frequency). This variant has not been reported in the literature in individuals affected with LRP5-related conditions. ClinVar contains an entry for this variant (Variation ID: 2699739). Invitae Evidence Modeling of protein sequence and biophysical properties (such as structural, functional, and spatial information, amino acid conservation, physicochemical variation, residue mobility, and thermodynamic stability) has been performed for this missense variant. However, the output from this modeling did not meet the statistical confidence thresholds required to predict the impact of this variant on LRP5 protein function. In summary, the available evidence is currently insufficient to determine the role of this variant in disease. Therefore, it has been classified as a Variant of Uncertain Significance.

Blueprint Genetics
Classification: Uncertain significance. Last evaluated: 2022-02-25. Review status: criteria provided, single submitter. Criteria: ACMG Guidelines, 2015. Collection method: clinical testing. Allele origin: germline.

NM_002335.4(LRP5):c.1453G>A (p.Glu485Lys)

Gene: LRP5 (LDL receptor related protein 5; plus strand). Cytogenetic location: 11q13.2.
Variant type: single nucleotide variant.
Coding change: c.1453G>A on transcript NM_002335.4 (MANE Select); coding-DNA position 1453, G replaced by A.
Protein change: p.Glu485Lys; replaces glutamic acid 485 with lysine.
Molecular consequence: missense variant. On other transcripts: intron variant (1).
Genome position (GRCh38, 1-based): chr11:68,389,921, G>A. VCF-style: chr11-68389921-G-A. GRCh37 (hg19) VCF-style: chr11-68157389-G-A.
Other names: c.-354+3209G>A (NM_001291902.2); short protein forms E485K.
Identifiers: ClinVar variation 2699739 (VCV002699739.4), dbSNP rs121908666, ClinGen allele CA381612997.